The following is an entry in ClinVar:

NM_002905.5(RDH5):c.594_616delinsGAGCCT (p.Ile198fs)

Genes: BLOC1S1-RDH5 (BLOC1S1-RDH5 readthrough; plus strand), CD63 (CD63 molecule; minus strand), RDH5 (retinol dehydrogenase 5; plus strand). Cytogenetic location: 12q13.2.
Variant type: Indel.
Coding change: c.594_616delinsGAGCCT on transcript NM_002905.5 (MANE Select); coding-DNA positions 594 to 616, ACGAGTCTCCATCGTGGAGCCTG replaced by GAGCCT.
Protein change: p.Ile198fs; shifts the reading frame from isoleucine 198.
Molecular consequence: frameshift variant. On other transcripts: non-coding transcript variant (1), 3 prime UTR variant (2).
Genome position (GRCh38, 1-based): chr12:55,723,910-55,723,932, ACGAGTCTCCATCGTGGAGCCTG replaced by GAGCCT. VCF-style: chr12-55723910-ACGAGTCTCCATCGTGGAGCCTG-GAGCCT. GRCh37 (hg19) VCF-style: chr12-56117694-ACGAGTCTCCATCGTGGAGCCTG-GAGCCT.
Other names: c.594_616delinsGAGCCT, p.Ile198fs (NM_001199771.3); c.*1132_*1154delinsAGGCTC (NM_001413284.1); c.*1147_*1169delinsAGGCTC (NM_001413285.1); short protein forms I198fs.
Identifiers: ClinVar variation 4996811 (VCV004996811.1).
Genomic context (GRCh38, chr12:55,723,910, plus strand): 5'-CAAGAACCCAGCAACTTCGCTCTGCCCCGACTCTAGGCGGGATGTAGCTCATTTTGGGAT[ACGAGTCTCCATCGTGGAGCCTG>GAGCCT]GCTTCTTCCGAACCCCTGTGACCAACCTGGAGAGTCTGGAGAAAACCCTGCAGGCCTGCT-3'

ClinVar aggregate classification (germline): Likely pathogenic (1 of 4 stars; one submission).

Conditions:
RDH5-related disorder. Also called: RDH5-related condition.

Submission:

PreventionGenetics, part of Exact Sciences
Classification: Likely pathogenic for RDH5-related condition. Last evaluated: 2025-07-23. Review status: criteria provided, single submitter. Criteria: ACMG Guidelines, 2015. Collection method: clinical testing. Allele origin: germline.
Comment: The RDH5 c.594_616delinsGAGCCT variant is predicted to result in a frameshift and premature protein termination (p.Ile198Metfs*55). To our knowledge, this variant has not been reported in the literature or in a large population database (gnomAD), indicating this variant is rare. Frameshift variants in RDH5 are expected to be pathogenic. This variant is interpreted as likely pathogenic.